The following is an entry in ClinVar:

NM_206933.4(USH2A):c.1235G>A (p.Trp412Ter)

Gene: USH2A (usherin; minus strand). Cytogenetic location: 1q41.
Variant type: single nucleotide variant.
Coding change: c.1235G>A on transcript NM_206933.4 (MANE Select); coding-DNA position 1235, G replaced by A.
Protein change: p.Trp412Ter; replaces tryptophan 412 with a stop codon.
Molecular consequence: nonsense.
Genome position (GRCh38, 1-based): chr1:216,324,261, C>T on the plus strand (G>A on the coding strand, the complement: USH2A is on the minus strand). VCF-style: chr1-216324261-C-T. GRCh37 (hg19) VCF-style: chr1-216497603-C-T.
Other names: c.1235G>A, p.Trp412Ter (NM_007123.6); short protein forms W412*.
Identifiers: ClinVar variation 1726035 (VCV001726035.2), dbSNP rs2037681648, ClinGen allele CA344911715.

ClinVar aggregate classification (germline): Likely pathogenic (1 of 4 stars; one submission).

Conditions:
Usher syndrome type 2A. Also called: RETINAL DISEASE IN USHER SYNDROME TYPE IIA, MODIFIER OF; USHER SYNDROME, TYPE IIA. Identifiers: Orphanet 231178, Orphanet 886, MedGen C1848634, MONDO:0010169, OMIM 276901.

Allele frequency attached by ClinVar (database versions not stated): TOPMed 0.00001.

Submission:

Myriad Genetics, Inc.
Classification: Likely pathogenic for Usher syndrome type 2A. Last evaluated: 2022-05-08. Review status: criteria provided, single submitter. Criteria: Myriad Women's Health Autosomal Recessive and X-Linked Classification Criteria (2021). Collection method: clinical testing. Allele origin: unknown.
Comment: NM_206933.2(USH2A):c.1235G>A(W412*) is expected to be pathogenic in the context of USH2A-related disorders. This variant is predicted to lead to an abnormal or absent protein product due to the creation of a premature termination codon in USH2A, a gene where loss-of-function variants are known to be pathogenic. Please note: this variant was assessed in the context of healthy population screening.